The following is an entry in ClinVar:

NM_001330588.2(TPP2):c.1393+26C>T

Gene: TPP2 (tripeptidyl peptidase 2; plus strand). Cytogenetic location: 13q33.1.
Variant type: single nucleotide variant.
Coding change: c.1393+26C>T on transcript NM_001330588.2 (MANE Select); 26 bases into the intron after coding-DNA position 1393, C replaced by T.
Molecular consequence: intron variant.
Genome position (GRCh38, 1-based): chr13:102,634,124, C>T. VCF-style: chr13-102634124-C-T. GRCh37 (hg19) VCF-style: chr13-103286474-C-T.
Other names: c.1393+26C>T (NM_001367947.1, NM_003291.4).
Identifiers: ClinVar variation 2628275 (VCV002628275.2), dbSNP rs58545410, ClinGen allele CA7037718.

ClinVar aggregate classification (germline): Benign (1 of 4 stars; one submission).

Allele frequency attached by ClinVar (database versions not stated): gnomAD exomes 0.10668; ExAC 0.12085; gnomAD 0.14906; ESP Exome Variant Server 0.15262; TOPMed 0.15723; 1000 Genomes Project 0.16953; 1000 Genomes Project 30x 0.17083.
gnomAD v4.1: 179,692 of 1,611,834 alleles (11%); highest among the groups gnomAD compares: African/African-American, 26%; 11,659 homozygotes.

Submission:

Unidad de Genómica Garrahan, Hospital de Pediatría Garrahan
Classification: Benign. Last evaluated: 2023-11-12. Review status: criteria provided, single submitter. Criteria: ACMG Guidelines, 2015. Collection method: clinical testing. Allele origin: germline. Affected: no. Observed: 22 variant alleles.
Comment: This variant is classified as Benign based on local population frequency. This variant was detected in 23% of patients studied by a panel of primary immunodeficiencies. Number of patients: 22. Only high quality variants are reported.